The following is an entry in ClinVar:

NM_153252.5(BRWD3):c.4286A>G (p.Asn1429Ser)

Gene: BRWD3 (bromodomain and WD repeat domain containing 3; minus strand). Cytogenetic location: Xq21.1.
Variant type: single nucleotide variant.
Coding change: c.4286A>G on transcript NM_153252.5 (MANE Select); coding-DNA position 4286, A replaced by G.
Protein change: p.Asn1429Ser; replaces asparagine 1429 with serine.
Molecular consequence: missense variant.
Genome position (GRCh38, 1-based): chrX:80,682,576, T>C on the plus strand (A>G on the coding strand, the complement: BRWD3 is on the minus strand). VCF-style: chrX-80682576-T-C. GRCh37 (hg19) VCF-style: chrX-79938075-T-C.
Other names: c.4286A>G (NM_153252.4); short protein forms N1429S.
Identifiers: ClinVar variation 2868760 (VCV002868760.5), dbSNP rs756654733, ClinGen allele CA10461683.

ClinVar aggregate classification (germline): Uncertain significance. Review status: criteria provided, multiple submitters, no conflicts (2 of 4 stars). 3 submissions from 3 submitters: Uncertain significance (3). Last evaluated 2024-08-29.

Allele frequency attached by ClinVar (database versions not stated): TOPMed below 0.00001; gnomAD 0.00001; gnomAD exomes 0.00001; ExAC 0.00002.

Submissions (3):

GeneDx
Classification: Uncertain significance. Last evaluated: 2024-08-29. Review status: criteria provided, single submitter. Criteria: GeneDx Variant Classification Process June 2021. Collection method: clinical testing. Allele origin: germline. Affected: yes.
Comment: In silico analysis indicates that this missense variant does not alter protein structure/function; Has not been previously published as pathogenic or benign to our knowledge

Labcorp Genetics (formerly Invitae), Labcorp
Classification: Uncertain significance. Last evaluated: 2024-06-03. Review status: criteria provided, single submitter. Criteria: Invitae Variant Classification Sherloc (09022015). Collection method: clinical testing. Allele origin: germline.
Comment: This sequence change replaces asparagine, which is neutral and polar, with serine, which is neutral and polar, at codon 1429 of the BRWD3 protein (p.Asn1429Ser). This variant is present in population databases (rs756654733, gnomAD 0.01%). This variant has not been reported in the literature in individuals affected with BRWD3-related conditions. Advanced modeling of protein sequence and biophysical properties (such as structural, functional, and spatial information, amino acid conservation, physicochemical variation, residue mobility, and thermodynamic stability) performed at Invitae indicates that this missense variant is not expected to disrupt BRWD3 protein function with a negative predictive value of 80%. In summary, the available evidence is currently insufficient to determine the role of this variant in disease. Therefore, it has been classified as a Variant of Uncertain Significance.

Blueprint Genetics
Classification: Uncertain significance. Last evaluated: 2024-05-27. Review status: criteria provided, single submitter. Criteria: ACMG Guidelines, 2015. Collection method: clinical testing. Allele origin: germline.